The following is an entry in ClinVar:

NM_001379180.1(ESRRB):c.460+5G>A

Gene: ESRRB (estrogen related receptor beta; plus strand). Cytogenetic location: 14q24.3.
Variant type: single nucleotide variant.
Coding change: c.460+5G>A on transcript NM_001379180.1 (MANE Select); 5 bases into the intron after coding-DNA position 460, G replaced by A.
Molecular consequence: intron variant.
Genome position (GRCh38, 1-based): chr14:76,439,755, G>A. VCF-style: chr14-76439755-G-A. GRCh37 (hg19) VCF-style: chr14-76906098-G-A.
Other names: c.397+5G>A (NM_004452.4).
Identifiers: ClinVar variation 228674 (VCV000228674.4), dbSNP rs876657808, ClinGen allele CA10576970.

ClinVar aggregate classification (germline): Uncertain significance (1 of 4 stars; one submission).

Submission:

Laboratory for Molecular Medicine, Mass General Brigham Personalized Medicine
Classification: Uncertain significance. Last evaluated: 2016-03-31. Review status: criteria provided, single submitter. Criteria: LMM Criteria. Collection method: clinical testing. Allele origin: germline. Observed: 1 variant allele.
Comment: The c.397+5G>A variant in ESRRB has not been previously described in individuals with hearing loss or in large population studies. This variant is located in t he 5' splice region. Computational tools suggest a possible impact to splicing. However, this information is not predictive enough to determine pathogenicity. I n summary, the clinical significance of this variant is uncertain.